The following is an entry in ClinVar:

ClinVar aggregate classification (germline): Likely pathogenic. Review status: criteria provided, single submitter (1 of 4 stars). 3 submissions from 3 submitters: Likely pathogenic (1). 2 of the submissions do not count toward it. Last evaluated 2020-07-29.

Conditions:
CEBALID syndrome (CEBALID). Also called: MN1 C-TERMINAL TRUNCATION SYNDROME; CRANIOFACIAL DEFECTS, DYSMORPHIC EARS, STRUCTURAL BRAIN ABNORMALITIES, EXPRESSIVE LANGUAGE DELAY, AND IMPAIRED INTELLECTUAL DEVELOPMENT. Identifiers: Orphanet 693549, MedGen C5394044, MONDO:0032908, OMIM 618774.
MN1 C-terminal truncation (MCTT) syndrome.

Submissions (4):

SIB Swiss Institute of Bioinformatics
Classification: Likely pathogenic for CEBALID syndrome. Last evaluated: 2020-07-29. Review status: criteria provided, single submitter. Criteria: ACMG Guidelines, 2015. Collection method: curation. Allele origin: unknown.
Comment: This variant is interpreted as Likely pathogenic for CEBALID syndrome, autosomal dominant. The following ACMG Tag(s) were applied: Absent from controls (or at extremely low frequency if recessive) in Exome Sequencing Project, 1000 Genomes Project, or Exome Aggregation Consortium (PM2); Located in a mutational hot spot and/or critical and well-established functional domain (e.g., active site of an enzyme) without benign variation (PM1); Protein length changes as a result of in-frame deletions/insertions in a nonrepeat region or stop-loss variants (PM4).

OMIM
Classification: Pathogenic for CEBALID SYNDROME. Last evaluated: 2020-02-14. Review status: no assertion criteria provided. Collection method: literature only. Allele origin: germline. Not counted in ClinVar's aggregate classification.

Dr. Peter K. Rogan Lab, Western University
No classification provided (evidence only). Condition: Thyroid cancer, nonmedullary, 1. Review status: no classification provided. Collection method: in vitro. Allele origin: not applicable. Functional consequence: retained intron. Not counted in ClinVar's aggregate classification.

University of Washington Center for Mendelian Genomics, University of Washington
Classification: Likely pathogenic for MN1 C-terminal truncation (MCTT) syndrome. Review status: no assertion criteria provided. Collection method: research. Allele origin: unknown. Affected: yes. Not counted in ClinVar's aggregate classification.

Literature cited by the submitters: PubMed 31834374 (cited by 3 submitters).

NM_002430.3(MN1):c.3745G>T (p.Glu1249Ter)

Gene: MN1 (MN1 proto-oncogene, transcriptional regulator; minus strand). Cytogenetic location: 22q12.1.
Variant type: single nucleotide variant.
Coding change: c.3745G>T on transcript NM_002430.3 (MANE Select); coding-DNA position 3745, G replaced by T.
Protein change: p.Glu1249Ter; replaces glutamic acid 1249 with a stop codon.
Molecular consequence: nonsense.
Genome position (GRCh38, 1-based): chr22:27,796,799, C>A on the plus strand (G>T on the coding strand, the complement: MN1 is on the minus strand). VCF-style: chr22-27796799-C-A. GRCh37 (hg19) VCF-style: chr22-28192787-C-A.
Other names: NC_000022.10:g.28192787C>A; short protein forms E1249*.
Identifiers: ClinVar variation 812558 (VCV000812558.4), dbSNP rs761317200, ClinGen allele CA411041594.